The following is an entry in ClinVar:

NM_002439.5(MSH3):c.1843C>G (p.Leu615Val)

Gene: MSH3 (mutS homolog 3; plus strand). Cytogenetic location: 5q14.1.
Variant type: single nucleotide variant.
Coding change: c.1843C>G on transcript NM_002439.5 (MANE Select); coding-DNA position 1843, C replaced by G.
Protein change: p.Leu615Val; replaces leucine 615 with valine.
Molecular consequence: missense variant.
Genome position (GRCh38, 1-based): chr5:80,761,625, C>G. VCF-style: chr5-80761625-C-G. GRCh37 (hg19) VCF-style: chr5-80057444-C-G.
Other names: c.1843C>G (NM_002439.3); short protein forms L615V.
Identifiers: ClinVar variation 1481761 (VCV001481761.9), dbSNP rs1580027602, ClinGen allele CA360276634.

ClinVar aggregate classification (germline): Uncertain significance. Review status: criteria provided, multiple submitters, no conflicts (2 of 4 stars). 2 submissions from 2 submitters: Uncertain significance (2). Last evaluated 2024-06-27.

Conditions:
Hereditary cancer-predisposing syndrome. Also called: Tumor predisposition; Hereditary Cancer Syndrome; Hereditary neoplastic syndrome; Neoplastic Syndromes, Hereditary. Identifiers: Orphanet 140162, MedGen C0027672, MeSH D009386, MONDO:0015356.

Allele frequency attached by ClinVar (database versions not stated): TOPMed below 0.00001.

Submissions (2):

Ambry Genetics
Classification: Uncertain significance for Hereditary cancer-predisposing syndrome. Last evaluated: 2024-06-27. Review status: criteria provided, single submitter. Criteria: Ambry Variant Classification Scheme 2023. Collection method: clinical testing. Allele origin: germline.
Comment: The p.L615V variant (also known as c.1843C>G), located in coding exon 13 of the MSH3 gene, results from a C to G substitution at nucleotide position 1843. The leucine at codon 615 is replaced by valine, an amino acid with highly similar properties. This amino acid position is highly conserved in available vertebrate species. In addition, the in silico prediction for this alteration is inconclusive. Based on the available evidence, the clinical significance of this variant remains unclear.

Labcorp Genetics (formerly Invitae), Labcorp
Classification: Uncertain significance. Last evaluated: 2023-04-28. Review status: criteria provided, single submitter. Criteria: Invitae Variant Classification Sherloc (09022015). Collection method: clinical testing. Allele origin: germline.
Comment: In summary, the available evidence is currently insufficient to determine the role of this variant in disease. Therefore, it has been classified as a Variant of Uncertain Significance. RNA analysis performed to evaluate the impact of this missense change on mRNA splicing indicates it does not significantly alter splicing (Invitae). An algorithm developed to predict the effect of missense changes on protein structure and function (PolyPhen-2) suggests that this variant is likely to be disruptive. ClinVar contains an entry for this variant (Variation ID: 1481761). This variant has not been reported in the literature in individuals affected with MSH3-related conditions. This variant is not present in population databases (gnomAD no frequency). This sequence change replaces leucine, which is neutral and non-polar, with valine, which is neutral and non-polar, at codon 615 of the MSH3 protein (p.Leu615Val).